The following is an entry in ClinVar:

ClinVar aggregate classification (germline): Uncertain significance (1 of 4 stars; one submission).

Conditions:
Autism (AUTS). Also called: Autistic disorder; Autistic disorder of childhood onset. Identifiers: MedGen C0004352, MeSH D001321, MONDO:0005260, OMIM 209850, HP:0000717.

Submission:

Broad Center for Mendelian Genomics, Broad Institute of MIT and Harvard
Classification: Uncertain significance for Autism. Last evaluated: 2023-12-21. Review status: criteria provided, single submitter. Criteria: ACMG Guidelines, 2015. Collection method: curation. Allele origin: germline. Study: GREGoR Consortium.
Comment: While this gene is still lacking sufficient evidence to establish a gene-disease relationship, we believe this is a possible novel gene candidate for severe autism. Given the limited information about this gene-disease relationship, the significance of the p.Trp269Cys variant is uncertain. If you have any additional information about functional evidence or other individuals with this phenotype that also have variants in PI4K2B we encourage you to reach out to us.

NM_018323.4(PI4K2B):c.807G>C (p.Trp269Cys)

Gene: PI4K2B (phosphatidylinositol 4-kinase type 2 beta; plus strand). Cytogenetic location: 4p15.2.
Variant type: single nucleotide variant.
Coding change: c.807G>C on transcript NM_018323.4 (MANE Select); coding-DNA position 807, G replaced by C.
Protein change: p.Trp269Cys; replaces tryptophan 269 with cysteine.
Molecular consequence: missense variant. On other transcripts: non-coding transcript variant (1).
Genome position (GRCh38, 1-based): chr4:25,259,087, G>C. VCF-style: chr4-25259087-G-C. GRCh37 (hg19) VCF-style: chr4-25260709-G-C.
Other names: NR_144633.2:n.953G>C; short protein forms W269C.
Identifiers: ClinVar variation 2674596 (VCV002674596.1), dbSNP rs1716360124, ClinGen allele CA356533660.